The following is an entry in ClinVar:

NM_018127.6(ELAC2):c.-381A>G

Gene: ELAC2 (elaC ribonuclease Z 2; minus strand). Cytogenetic location: 17p12.
Variant type: single nucleotide variant.
Coding change: c.-381A>G on transcript NM_018127.6; 381 bases upstream of the start codon, A replaced by G.
Genome position (GRCh38, 1-based): chr17:13,018,328, T>C on the plus strand (A>G on the coding strand, the complement: ELAC2 is on the minus strand). VCF-style: chr17-13018328-T-C. GRCh37 (hg19) VCF-style: chr17-12921645-T-C.
Identifiers: ClinVar variation 683498 (VCV000683498.3), dbSNP rs2051974, ClinGen allele CA14431155.

ClinVar aggregate classification (germline): Benign (1 of 4 stars; one submission).

Allele frequency attached by ClinVar (database versions not stated): gnomAD 0.70622 and 0.70935; 1000 Genomes Project 30x 0.70784; 1000 Genomes Project 0.71645; gnomAD exomes 0.74893; TOPMed 0.70502.

Submission:

GeneDx
Classification: Benign. Last evaluated: 2018-06-14. Review status: criteria provided, single submitter. Criteria: GeneDx Variant Classification (06012015). Collection method: clinical testing. Allele origin: germline. Affected: yes.
Comment: This variant is considered likely benign or benign based on one or more of the following criteria: it is a conservative change, it occurs at a poorly conserved position in the protein, it is predicted to be benign by multiple in silico algorithms, and/or has population frequency not consistent with disease.